The following is an entry in ClinVar:

ClinVar aggregate classification (germline): Uncertain significance (1 of 4 stars; one submission).

Submission:

Labcorp Genetics (formerly Invitae), Labcorp
Classification: Uncertain significance. Last evaluated: 2025-07-02. Review status: criteria provided, single submitter. Criteria: Invitae Variant Classification Sherloc (09022015). Collection method: clinical testing. Allele origin: germline.
Comment: This sequence change replaces arginine, which is basic and polar, with cysteine, which is neutral and slightly polar, at codon 282 of the BMP2 protein (p.Arg282Cys). This variant is not present in population databases (gnomAD no frequency). This variant has not been reported in the literature in individuals affected with BMP2-related conditions. An algorithm developed to predict the effect of missense changes on protein structure and function (PolyPhen-2) suggests that this variant is likely to be disruptive. In summary, the available evidence is currently insufficient to determine the role of this variant in disease. Therefore, it has been classified as a Variant of Uncertain Significance.

NM_001200.4(BMP2):c.844C>T (p.Arg282Cys)

Gene: BMP2 (bone morphogenetic protein 2; plus strand). Cytogenetic location: 20p12.3.
Variant type: single nucleotide variant.
Coding change: c.844C>T on transcript NM_001200.4 (MANE Select); coding-DNA position 844, C replaced by T.
Protein change: p.Arg282Cys; replaces arginine 282 with cysteine.
Molecular consequence: missense variant.
Genome position (GRCh38, 1-based): chr20:6,778,742, C>T. VCF-style: chr20-6778742-C-T. GRCh37 (hg19) VCF-style: chr20-6759389-C-T.
Other names: short protein forms R282C.
Identifiers: ClinVar variation 4780083 (VCV004780083.1).